The following is an entry in ClinVar:

ClinVar aggregate classification (germline): Likely benign (1 of 4 stars; one submission).

Allele frequency attached by ClinVar (database versions not stated): TOPMed 0.00001 and below 0.00001; gnomAD 0.00001.

Submission:

GeneDx
Classification: Likely benign. Last evaluated: 2016-10-04. Review status: criteria provided, single submitter. Criteria: GeneDx Variant Classification (06012015). Collection method: clinical testing. Allele origin: germline. Affected: yes.
Comment: This variant is considered likely benign or benign based on one or more of the following criteria: it is a conservative change, it occurs at a poorly conserved position in the protein, it is predicted to be benign by multiple in silico algorithms, and/or has population frequency not consistent with disease.

NM_014874.4(MFN2):c.-150+20G>A

Genes: MFN2 (mitofusin 2; plus strand), LOC129929424 (ATAC-STARR-seq lymphoblastoid silent region 280; plus strand). Cytogenetic location: 1p36.22.
Variant type: single nucleotide variant.
Coding change: c.-150+20G>A on transcript NM_014874.4 (MANE Select); 20 bases into the intron after 150 bases upstream of the start codon, G replaced by A.
Molecular consequence: intron variant.
Genome position (GRCh38, 1-based): chr1:11,980,504, G>A. VCF-style: chr1-11980504-G-A. GRCh37 (hg19) VCF-style: chr1-12040561-G-A.
Other names: c.-5+20G>A (NM_001127660.2).
Identifiers: ClinVar variation 379548 (VCV000379548.1), dbSNP rs1057520638, ClinGen allele CA16603381.
Genomic context (GRCh38, chr1:11,980,504, plus strand): 5'-GTAGTGAGTGTGATGGCCGCCGCGAGGCCGGGAAGGTGAAGGTGAGAGGGCGAGCAAGCC[G>A]GGGTGGCGGGGACTGGCCCGGCCCGGCCCGGCGAGTCCTGAGCAGCTCGGCGTGGGCCGA-3'